The following is an entry in ClinVar:

NM_006231.4(POLE):c.515C>G (p.Pro172Arg)

Gene: POLE (DNA polymerase epsilon, catalytic subunit; minus strand). Cytogenetic location: 12q24.33.
Variant type: single nucleotide variant.
Coding change: c.515C>G on transcript NM_006231.4 (MANE Select); coding-DNA position 515, C replaced by G.
Protein change: p.Pro172Arg; replaces proline 172 with arginine.
Molecular consequence: missense variant.
Genome position (GRCh38, 1-based): chr12:132,679,560, G>C on the plus strand (C>G on the coding strand, the complement: POLE is on the minus strand). VCF-style: chr12-132679560-G-C. GRCh37 (hg19) VCF-style: chr12-133256146-G-C.
Other names: short protein forms P172R.
Identifiers: ClinVar variation 849545 (VCV000849545.9), dbSNP rs2043123378, ClinGen allele CA387367047.

ClinVar aggregate classification (germline): Uncertain significance (1 of 4 stars; one submission).

Submission:

Labcorp Genetics (formerly Invitae), Labcorp
Classification: Uncertain significance. Last evaluated: 2019-02-14. Review status: criteria provided, single submitter. Criteria: Invitae Variant Classification Sherloc (09022015). Collection method: clinical testing. Allele origin: germline.
Comment: In summary, the available evidence is currently insufficient to determine the role of this variant in disease. Therefore, it has been classified as a Variant of Uncertain Significance. Algorithms developed to predict the effect of missense changes on protein structure and function are either unavailable or do not agree on the potential impact of this missense change (SIFT: "Deleterious"; PolyPhen-2: "Benign"; Align-GVGD: "Class C0"). This variant has not been reported in the literature in individuals with POLE-related conditions. This variant is not present in population databases (ExAC no frequency). This sequence change replaces proline with arginine at codon 172 of the POLE protein (p.Pro172Arg). The proline residue is highly conserved and there is a moderate physicochemical difference between proline and arginine.